The following is an entry in ClinVar:

ClinVar aggregate classification (germline): Uncertain significance (1 of 4 stars; one submission).

Allele frequency attached by ClinVar (database versions not stated): ExAC 0.00001; gnomAD exomes 0.00001.

Submission:

Labcorp Genetics (formerly Invitae), Labcorp
Classification: Uncertain significance. Last evaluated: 2022-08-16. Review status: criteria provided, single submitter. Criteria: Invitae Variant Classification Sherloc (09022015). Collection method: clinical testing. Allele origin: germline.
Comment: ClinVar contains an entry for this variant (Variation ID: 1440584). This variant, c.4935_4937dup, results in the insertion of 1 amino acid(s) of the SNRNP200 protein (p.Ala1646dup), but otherwise preserves the integrity of the reading frame. This variant is present in population databases (rs776679366, gnomAD 0.002%). This variant has not been reported in the literature in individuals affected with SNRNP200-related conditions. Experimental studies and prediction algorithms are not available or were not evaluated, and the functional significance of this variant is currently unknown. In summary, the available evidence is currently insufficient to determine the role of this variant in disease. Therefore, it has been classified as a Variant of Uncertain Significance.

NM_014014.5(SNRNP200):c.4935_4937dup (p.Ala1646dup)

Gene: SNRNP200 (small nuclear ribonucleoprotein U5 subunit 200; minus strand). Cytogenetic location: 2q11.2.
Variant type: Duplication.
Coding change: c.4935_4937dup on transcript NM_014014.5 (MANE Select); coding-DNA positions 4935 to 4937, 3 bases duplicated (GGC; older notation c.4935_4937dupGGC).
Protein change: p.Ala1646dup; duplicates alanine 1646.
Molecular consequence: inframe insertion.
Genome position (GRCh38, 1-based): chr2:96,281,901-96,281,903, GCC duplicated on the plus strand (GGC on the coding strand, the reverse complement: SNRNP200 is on the minus strand). VCF-style (leftmost placement, unchanged base first): chr2-96281900-A-AGCC. GRCh37 (hg19) VCF-style: chr2-96947638-A-AGCC.
Identifiers: ClinVar variation 1440584 (VCV001440584.9), dbSNP rs776679366, ClinGen allele CA1778074.